The following is an entry in ClinVar:

NM_015355.4(SUZ12):c.1228C>G (p.Leu410Val)

Gene: SUZ12 (SUZ12 polycomb repressive complex 2 subunit; plus strand). Cytogenetic location: 17q11.2.
Variant type: single nucleotide variant.
Coding change: c.1228C>G on transcript NM_015355.4 (MANE Select); coding-DNA position 1228, C replaced by G.
Protein change: p.Leu410Val; replaces leucine 410 with valine.
Molecular consequence: missense variant.
Genome position (GRCh38, 1-based): chr17:31,993,268, C>G. VCF-style: chr17-31993268-C-G. GRCh37 (hg19) VCF-style: chr17-30320287-C-G.
Other names: c.1159C>G, p.Leu387Val (NM_001321207.2); short protein forms L387V, L410V.
Identifiers: ClinVar variation 4538619 (VCV004538619.2).

ClinVar aggregate classification (germline): Uncertain significance (1 of 4 stars; one submission).

Submission:

GeneDx
Classification: Uncertain significance. Last evaluated: 2026-04-16. Review status: criteria provided, single submitter. Criteria: GeneDx Variant Classification Process June 2021. Collection method: clinical testing. Allele origin: germline.
Comment: Not observed at significant frequency in large population cohorts (gnomAD); In silico analysis supports that this missense variant does not alter protein structure/function; Has not been previously published as pathogenic or benign to our knowledge